The following is an entry in ClinVar:

ClinVar aggregate classification (germline): Likely benign. Review status: criteria provided, single submitter (1 of 4 stars). 2 submissions from 2 submitters: Likely benign (1). 1 of the submissions does not count toward it. Last evaluated 2020-10-01.

Conditions:
P3H1-related disorder. Also called: P3H1-related condition.
Osteogenesis imperfecta type 8 (OI8). Identifiers: MedGen C1970458, MONDO:0012581, OMIM 610915.

Allele frequency attached by ClinVar (database versions not stated): TOPMed 0.00002; gnomAD 0.00003.
gnomAD v4.1: 49 of 1,614,038 alleles (0.003%); highest among the groups gnomAD compares: Non-Finnish European, 0.004%; no homozygotes.

Submissions (2):

ARUP Laboratories, Molecular Genetics and Genomics, ARUP Laboratories
Classification: Likely benign for Osteogenesis imperfecta type 8. Last evaluated: 2020-10-01. Review status: criteria provided, single submitter. Criteria: ARUP Molecular Germline Variant Investigation Process 2021. Collection method: clinical testing. Allele origin: germline.

PreventionGenetics, part of Exact Sciences
Classification: Likely benign for P3H1-related condition. Last evaluated: 2019-09-05. Review status: no assertion criteria provided. Collection method: clinical testing. Allele origin: germline. Not counted in ClinVar's aggregate classification.
Comment: This variant is classified as likely benign based on ACMG/AMP sequence variant interpretation guidelines (Richards et al. 2015 PMID: 25741868, with internal and published modifications).

NM_022356.4(P3H1):c.2055+48G>A

Gene: P3H1 (prolyl 3-hydroxylase 1; minus strand). Cytogenetic location: 1p34.2.
Variant type: single nucleotide variant.
Coding change: c.2055+48G>A on transcript NM_022356.4 (MANE Select); 48 bases into the intron after coding-DNA position 2055, G replaced by A.
Molecular consequence: intron variant. On other transcripts: synonymous variant (1).
Genome position (GRCh38, 1-based): chr1:42,747,224, C>T on the plus strand (G>A on the coding strand, the complement: P3H1 is on the minus strand). VCF-style: chr1-42747224-C-T. GRCh37 (hg19) VCF-style: chr1-43212895-C-T.
Other names: c.2103G>A, p.Pro701= (NM_001243246.2); c.2074+29G>A (NM_001146289.2); c.2103G>A (NM_001243246.1).
Identifiers: ClinVar variation 1330614 (VCV001330614.9), dbSNP rs773921230, ClinGen allele CA801589.